The following is an entry in ClinVar:

NM_003924.4(PHOX2B):c.715G>A (p.Gly239Ser)

Gene: PHOX2B (paired like homeobox 2B; minus strand). Cytogenetic location: 4p13.
Variant type: single nucleotide variant.
Coding change: c.715G>A on transcript NM_003924.4 (MANE Select); coding-DNA position 715, G replaced by A.
Protein change: p.Gly239Ser; replaces glycine 239 with serine.
Molecular consequence: missense variant.
Genome position (GRCh38, 1-based): chr4:41,746,037, C>T on the plus strand (G>A on the coding strand, the complement: PHOX2B is on the minus strand). VCF-style: chr4-41746037-C-T. GRCh37 (hg19) VCF-style: chr4-41748054-C-T.
Other names: short protein forms G239S.
Identifiers: ClinVar variation 961591 (VCV000961591.13), dbSNP rs1577559055, ClinGen allele CA356737292.

ClinVar aggregate classification (germline): Uncertain significance. Review status: criteria provided, multiple submitters, no conflicts (2 of 4 stars). 2 submissions from 2 submitters: Uncertain significance (2). Last evaluated 2024-06-07.

Conditions:
Hereditary cancer-predisposing syndrome. Also called: Tumor predisposition; Hereditary neoplastic syndrome; Hereditary Cancer Syndrome; Neoplastic Syndromes, Hereditary. Identifiers: Orphanet 140162, MedGen C0027672, MeSH D009386, MONDO:0015356.
Haddad syndrome (OHD). Also called: Ondine-Hirschsprung disease. Identifiers: Orphanet 99803, MedGen C1859049, MONDO:0020493.

Submissions (2):

Ambry Genetics
Classification: Uncertain significance for Hereditary cancer-predisposing syndrome. Last evaluated: 2024-06-07. Review status: criteria provided, single submitter. Criteria: Ambry Variant Classification Scheme 2023. Collection method: clinical testing. Allele origin: germline.
Comment: The p.G239S variant (also known as c.715G>A), located in coding exon 3 of the PHOX2B gene, results from a G to A substitution at nucleotide position 715. The glycine at codon 239 is replaced by serine, an amino acid with similar properties. This amino acid position is conserved. In addition, this alteration is predicted to be tolerated by in silico analysis. Since supporting evidence is limited at this time, the clinical significance of this alteration remains unclear.

Labcorp Genetics (formerly Invitae), Labcorp
Classification: Uncertain significance for Haddad syndrome. Last evaluated: 2019-09-17. Review status: criteria provided, single submitter. Criteria: Invitae Variant Classification Sherloc (09022015). Collection method: clinical testing. Allele origin: germline.
Comment: This sequence change replaces glycine with serine at codon 239 of the PHOX2B protein (p.Gly239Ser). The glycine residue is moderately conserved and there is a small physicochemical difference between glycine and serine. In summary, the available evidence is currently insufficient to determine the role of this variant in disease. Therefore, it has been classified as a Variant of Uncertain Significance. Algorithms developed to predict the effect of missense changes on protein structure and function output the following: SIFT: "Tolerated"; PolyPhen-2: "Not Available"; Align-GVGD: "Class C0". The serine amino acid residue is found in multiple mammalian species, suggesting that this missense change does not adversely affect protein function. These predictions have not been confirmed by published functional studies and their clinical significance is uncertain. This variant has not been reported in the literature in individuals with PHOX2B-related conditions. The frequency data for this variant in the population databases is considered unreliable, as metrics indicate insufficient coverage at this position in the ExAC database.